The following is an entry in ClinVar:

NM_014314.4(RIGI):c.1073G>A (p.Gly358Glu)

Gene: RIGI (RNA sensor RIG-I; minus strand). Cytogenetic location: 9p21.1.
Variant type: single nucleotide variant.
Coding change: c.1073G>A on transcript NM_014314.4 (MANE Select); coding-DNA position 1073, G replaced by A.
Protein change: p.Gly358Glu; replaces glycine 358 with glutamic acid.
Molecular consequence: missense variant.
Genome position (GRCh38, 1-based): chr9:32,488,084, C>T on the plus strand (G>A on the coding strand, the complement: RIGI is on the minus strand). VCF-style: chr9-32488084-C-T. GRCh37 (hg19) VCF-style: chr9-32488082-C-T.
Other names: c.1067G>A, p.Gly356Glu (NM_001385907.1); c.1073G>A, p.Gly358Glu (NM_001385909.1); c.632G>A, p.Gly211Glu (NM_001385910.1); c.464G>A, p.Gly155Glu (NM_001385912.1); c.1058G>A, p.Gly353Glu (NM_001385913.1); c.629G>A, p.Gly210Glu (NM_001385914.1); short protein forms G155E, G210E, G211E, G353E, G356E, G358E.
Identifiers: ClinVar variation 3610981 (VCV003610981.2).
Genomic context (GRCh38, chr9:32,488,084, plus strand): 5'-CTAGTGTTGTGGCATTCATCAAATATCATCAAAGTAAAGATGGATAGTGATGGAATCGTT[C>T]CCTTTTTAAGGTTGTTCACAAGAATCTGTGGAGTTAAAATGATGATGTCATTGTTCTCAA-3'
Protein context (NP_055129.2, residues 348-368): PQILVNNLKK[Gly358Glu]TIPSLSIFTL

ClinVar aggregate classification (germline): Uncertain significance (1 of 4 stars; one submission).

gnomAD v4.1: 8 of 1,613,996 alleles (0.0005%); highest among the groups gnomAD compares: African/African-American, 0.011%; no homozygotes.

Submission:

Labcorp Genetics (formerly Invitae), Labcorp
Classification: Uncertain significance. Last evaluated: 2024-06-26. Review status: criteria provided, single submitter. Criteria: Invitae Variant Classification Sherloc (09022015). Collection method: clinical testing. Allele origin: germline.
Comment: This sequence change replaces glycine, which is neutral and non-polar, with glutamic acid, which is acidic and polar, at codon 358 of the DDX58 protein (p.Gly358Glu). This variant is present in population databases (rs145457417, gnomAD 0.02%). This variant has not been reported in the literature in individuals affected with DDX58-related conditions. Advanced modeling of protein sequence and biophysical properties (such as structural, functional, and spatial information, amino acid conservation, physicochemical variation, residue mobility, and thermodynamic stability) performed at Invitae indicates that this missense variant is not expected to disrupt DDX58 protein function with a negative predictive value of 80%. In summary, the available evidence is currently insufficient to determine the role of this variant in disease. Therefore, it has been classified as a Variant of Uncertain Significance.